The following is an entry in ClinVar:

ClinVar aggregate classification (germline): Uncertain significance (1 of 4 stars; one submission).

Conditions:
Acute myeloid leukemia (AML). Also called: Acute myeloid leukemia, adult; AML adult; Acute non-lymphocytic leukemia; Acute granulocytic leukemia; Leukemia, acute myeloid, somatic; Leukemia, acute myelogenous, somatic. Identifiers: Orphanet 519, MedGen C0023467, MeSH D015470, MONDO:0018874, OMIM 601626, HP:0004808. Disease mechanism: Constitutively activated FLT3.

Submission:

Labcorp Genetics (formerly Invitae), Labcorp
Classification: Uncertain significance for Acute myeloid leukemia. Last evaluated: 2022-10-16. Review status: criteria provided, single submitter. Criteria: Invitae Variant Classification Sherloc (09022015). Collection method: clinical testing. Allele origin: germline.
Comment: In summary, the available evidence is currently insufficient to determine the role of this variant in disease. Therefore, it has been classified as a Variant of Uncertain Significance. Advanced modeling of protein sequence and biophysical properties (such as structural, functional, and spatial information, amino acid conservation, physicochemical variation, residue mobility, and thermodynamic stability) performed at Invitae indicates that this missense variant is not expected to disrupt CEBPA protein function. This variant has not been reported in the literature in individuals affected with CEBPA-related conditions. This variant is not present in population databases (gnomAD no frequency). This sequence change replaces glutamic acid, which is acidic and polar, with aspartic acid, which is acidic and polar, at codon 163 of the CEBPA protein (p.Glu163Asp).

NM_004364.5(CEBPA):c.489G>T (p.Glu163Asp)

Gene: CEBPA (CCAAT enhancer binding protein alpha; minus strand). Cytogenetic location: 19q13.11.
Variant type: single nucleotide variant.
Coding change: c.489G>T on transcript NM_004364.5 (MANE Select); coding-DNA position 489, G replaced by T.
Protein change: p.Glu163Asp; replaces glutamic acid 163 with aspartic acid.
Molecular consequence: missense variant.
Genome position (GRCh38, 1-based): chr19:33,301,926, C>A on the plus strand (G>T on the coding strand, the complement: CEBPA is on the minus strand). VCF-style: chr19-33301926-C-A. GRCh37 (hg19) VCF-style: chr19-33792832-C-A.
Other names: c.132G>T, p.Glu44Asp (NM_001285829.2); c.594G>T, p.Glu198Asp (NM_001287424.2); c.447G>T, p.Glu149Asp (NM_001287435.2); short protein forms E44D, E198D, E149D, E163D.
Identifiers: ClinVar variation 2808706 (VCV002808706.3), dbSNP rs2513331032, ClinGen allele CA405274845.
Genomic context (GRCh38, chr19:33,301,926, plus strand): 5'-CGGCTGGTAAGGGAAGAGGCCGGCCAGCGCCAGCTGCTTGGCTTCATCCTCCTCGCGGGG[C>A]TCCTGCTTGATCACCAGCGGCCGCAGCGCCGGCGCCCCGACGCGCTCGTACAGGGGCTCC-3'
Protein context (NP_004355.2, residues 153-173): PALRPLVIKQ[Glu163Asp]PREEDEAKQL